The following is an entry in ClinVar:

NM_001122764.3(PPOX):c.872T>C (p.Leu291Pro)

Gene: PPOX (protoporphyrinogen oxidase; plus strand). Cytogenetic location: 1q23.3.
Variant type: single nucleotide variant.
Coding change: c.872T>C on transcript NM_001122764.3 (MANE Select); coding-DNA position 872, T replaced by C.
Protein change: p.Leu291Pro; replaces leucine 291 with proline.
Molecular consequence: missense variant.
Genome position (GRCh38, 1-based): chr1:161,169,909, T>C. VCF-style: chr1-161169909-T-C. GRCh37 (hg19) VCF-style: chr1-161139699-T-C.
Other names: p.Leu291Pro; c.872T>C, p.Leu291Pro (NM_000309.5, NM_001365398.1, NM_001365399.1); c.773T>C, p.Leu258Pro (NM_001350128.2); c.464T>C, p.Leu155Pro (NM_001350129.2, NM_001365400.1); c.386T>C, p.Leu129Pro (NM_001350130.2, NM_001350131.2, NM_001365401.1); short protein forms L155P, L129P, L291P, L258P.
Identifiers: ClinVar variation 4541814 (VCV004541814.1).
Genomic context (GRCh38, chr1:161,169,909, plus strand): 5'-AGGACTGACAACTGTAATGGGAATGCCTTCTGAGTCAGGCCTCTGCCTGATCTCTAGTGC[T>C]CAGTGAGCTGCTCCCTGCTGAGGCTGCCCCTCTGGCTCGTGCCCTGAGTGCCATCACTGC-3'
Protein context (NP_001116236.1, residues 281-301): HVISAIPASV[Leu291Pro]SELLPAEAAP

ClinVar aggregate classification (germline): Uncertain significance (1 of 4 stars; one submission).

Submission:

Mayo Clinic Laboratories, Mayo Clinic
Classification: Uncertain significance. Last evaluated: 2025-01-27. Review status: criteria provided, single submitter. Criteria: ACMG Guidelines, 2015. Collection method: clinical testing. Allele origin: germline. Observed: 1 variant allele.
Comment: PP3_moderate, PP4, PM2_supporting